The following is an entry in ClinVar:

ClinVar aggregate classification (germline): Likely benign. Review status: criteria provided, multiple submitters, no conflicts (2 of 4 stars). 2 submissions from 2 submitters: Likely benign (2). Last evaluated 2023-09-08.

Conditions:
Hereditary spastic paraplegia 49 (HSAN9). Also called: TECPR2-Related Hereditary Sensory and Autonomic Neuropathy with Intellectual Disability; Spastic paraplegia 49, autosomal recessive; NEUROPATHY, HEREDITARY SENSORY AND AUTONOMIC, TYPE IX, WITH DEVELOPMENTAL DELAY. Identifiers: Orphanet 320385, MedGen C5190860, MONDO:0014016, OMIM 615031.

gnomAD v4.1: 3 of 1,614,050 alleles (0.00019%); highest among the groups gnomAD compares: Middle Eastern, 0.016%; no homozygotes.

Submissions (2):

Labcorp Genetics (formerly Invitae), Labcorp
Classification: Likely benign for Hereditary spastic paraplegia 49. Last evaluated: 2023-09-08. Review status: criteria provided, single submitter. Criteria: Invitae Variant Classification Sherloc (09022015). Collection method: clinical testing. Allele origin: germline.

CeGaT Center for Human Genetics Tuebingen
Classification: Likely benign. Last evaluated: 2023-05-01. Review status: criteria provided, single submitter. Criteria: CeGaT Center For Human Genetics Tuebingen Variant Classification Criteria Version 2. Collection method: clinical testing. Allele origin: germline. Affected: yes. Observed: 1 variant allele.
Comment: TECPR2: PM2:Supporting, BP4, BP7

NM_014844.5(TECPR2):c.2244A>C (p.Thr748=)

Gene: TECPR2 (tectonin beta-propeller repeat containing 2; plus strand). Cytogenetic location: 14q32.31.
Variant type: single nucleotide variant.
Coding change: c.2244A>C on transcript NM_014844.5 (MANE Select); coding-DNA position 2244, A replaced by C.
Protein change: p.Thr748=; no amino-acid change (threonine 748 retained).
Molecular consequence: synonymous variant.
Genome position (GRCh38, 1-based): chr14:102,435,061, A>C. VCF-style: chr14-102435061-A-C. GRCh37 (hg19) VCF-style: chr14-102901398-A-C.
Other names: c.2244A>C, p.Thr748= (NM_001172631.3).
Identifiers: ClinVar variation 1550486 (VCV001550486.32), dbSNP rs977750461, ClinGen allele CA267057724.